The following is an entry in ClinVar:

ClinVar aggregate classification (germline): Uncertain significance (1 of 4 stars; one submission).

Allele frequency attached by ClinVar (database versions not stated): gnomAD exomes below 0.00001; TOPMed 0.00001.
gnomAD v4.1: 6 of 1,612,544 alleles (0.00037%); highest among the groups gnomAD compares: African/African-American, 0.0027%; no homozygotes.

Submission:

Labcorp Genetics (formerly Invitae), Labcorp
Classification: Uncertain significance. Last evaluated: 2021-11-26. Review status: criteria provided, single submitter. Criteria: Invitae Variant Classification Sherloc (09022015). Collection method: clinical testing. Allele origin: germline.
Comment: This sequence change replaces alanine, which is neutral and non-polar, with threonine, which is neutral and polar, at codon 168 of the GNA11 protein (p.Ala168Thr). This variant is not present in population databases (gnomAD no frequency). This variant has not been reported in the literature in individuals affected with GNA11-related conditions. Algorithms developed to predict the effect of missense changes on protein structure and function (SIFT, PolyPhen-2, Align-GVGD) all suggest that this variant is likely to be tolerated. In summary, the available evidence is currently insufficient to determine the role of this variant in disease. Therefore, it has been classified as a Variant of Uncertain Significance.

NM_002067.5(GNA11):c.502G>A (p.Ala168Thr)

Gene: GNA11 (G protein subunit alpha 11; plus strand). Cytogenetic location: 19p13.3.
Variant type: single nucleotide variant.
Coding change: c.502G>A on transcript NM_002067.5 (MANE Select); coding-DNA position 502, G replaced by A.
Protein change: p.Ala168Thr; replaces alanine 168 with threonine.
Molecular consequence: missense variant.
Genome position (GRCh38, 1-based): chr19:3,114,969, G>A. VCF-style: chr19-3114969-G-A. GRCh37 (hg19) VCF-style: chr19-3114967-G-A.
Other names: short protein forms A168T.
Identifiers: ClinVar variation 1423676 (VCV001423676.6), dbSNP rs1913871940, ClinGen allele CA403307713.